The following is an entry in ClinVar:

ClinVar aggregate classification (germline): Pathogenic. Review status: criteria provided, multiple submitters, no conflicts (2 of 4 stars). 2 submissions from 2 submitters: Pathogenic (2). Last evaluated 2022-02-28.

Conditions:
Bethlem myopathy 1A. Also called: Bethlem myopathy 1; MYOPATHY, BENIGN CONGENITAL, WITH CONTRACTURES; Bethlem Muscular Dystrophy. Identifiers: Orphanet 610, MedGen CN029274, MONDO:0024530, OMIM 158810.

Submissions (2):

Labcorp Genetics (formerly Invitae), Labcorp
Classification: Pathogenic for Bethlem myopathy 1A. Last evaluated: 2022-02-28. Review status: criteria provided, single submitter. Criteria: Invitae Variant Classification Sherloc (09022015). Collection method: clinical testing. Allele origin: germline.
Comment: For these reasons, this variant has been classified as Pathogenic. This variant disrupts the triple helix domain of COL6A1. Glycine residues within the Gly-Xaa-Yaa repeats of the triple helix domain are required for the structure and stability of fibrillar collagens (PMID: 7695699, 8218237, 19344236). In COL6A1, variants at these glycine residues are significantly enriched in individuals with autosomal dominant disease (PMID: 15689448, 24038877) compared to the general population (ExAC). Advanced modeling of protein sequence and biophysical properties (such as structural, functional, and spatial information, amino acid conservation, physicochemical variation, residue mobility, and thermodynamic stability) performed at Invitae indicates that this missense variant is expected to disrupt COL6A1 protein function. ClinVar contains an entry for this variant (Variation ID: 419392). This missense change has been observed in individual(s) with autosomal dominant COL6A1-related conditions (PMID: 15955946, 29419890, 32528171). In at least one individual the variant was observed to be de novo. This variant is not present in population databases (gnomAD no frequency). This sequence change replaces glycine, which is neutral and non-polar, with aspartic acid, which is acidic and polar, at codon 272 of the COL6A1 protein (p.Gly272Asp).

GeneDx
Classification: Pathogenic. Last evaluated: 2015-07-13. Review status: criteria provided, single submitter. Criteria: GeneDx Variant Classification (06012015). Collection method: clinical testing. Allele origin: germline. Affected: yes.
Comment: The G272D variant in the COL6A1 gene has been reported previously in a mother and son diagnosedwith Bethlem myopathy (Lucioli et al., 2005). The G272D substitution was not observed in approximately6500 individuals of European and African American ancestry in the NHLBI Exome Sequencing Project,indicating it is not a common benign variant in these populations. The G272D variant is a non-conservative amino acid substitution, which is likely to impact secondary protein structure as these residuesdiffer in polarity, charge, size and/or other properties. This substitution occurs at a position that isconserved across species. In silico analysis predicts this variant is probably damaging to the proteinstructure/function. We interpret G272D as a pathogenic variant.

Literature cited by the submitters: PubMed 7695699 (cited by Labcorp Genetics (formerly Invitae), Labcorp); PubMed 8218237 (cited by Labcorp Genetics (formerly Invitae), Labcorp); PubMed 19344236 (cited by Labcorp Genetics (formerly Invitae), Labcorp); PubMed 15689448 (cited by Labcorp Genetics (formerly Invitae), Labcorp); PubMed 24038877 (cited by Labcorp Genetics (formerly Invitae), Labcorp); PubMed 15955946 (cited by Labcorp Genetics (formerly Invitae), Labcorp); PubMed 29419890 (cited by Labcorp Genetics (formerly Invitae), Labcorp); PubMed 32528171 (cited by Labcorp Genetics (formerly Invitae), Labcorp).

NM_001848.3(COL6A1):c.815G>A (p.Gly272Asp)

Gene: COL6A1 (collagen type VI alpha 1 chain; plus strand). Cytogenetic location: 21q22.3.
Variant type: single nucleotide variant.
Coding change: c.815G>A on transcript NM_001848.3 (MANE Select); coding-DNA position 815, G replaced by A.
Protein change: p.Gly272Asp; replaces glycine 272 with aspartic acid.
Molecular consequence: missense variant.
Genome position (GRCh38, 1-based): chr21:45,989,094, G>A. VCF-style: chr21-45989094-G-A. GRCh37 (hg19) VCF-style: chr21-47409008-G-A.
Other names: short protein forms G272D.
Identifiers: ClinVar variation 419392 (VCV000419392.7), dbSNP rs1064793840, ClinGen allele CA16621025.